The following is an entry in ClinVar:

ClinVar aggregate classification (germline): Conflicting classifications of pathogenicity. Review status: criteria provided, conflicting classifications (1 of 4 stars). 4 submissions from 4 submitters: Uncertain significance (2); Likely benign (2). Last evaluated 2025-08-14.

Conditions:
Inborn genetic diseases. Identifiers: MedGen C0950123, MeSH D030342.
Developmental and epileptic encephalopathy, 1 (DEE1). Also called: INFANTILE SPASM SYNDROME, X-LINKED 1; Epileptic encephalopathy, early infantile, 1; X-linked infantile spasms; West's syndrome; Tonic spasms with clustering, arrest of psychomotor development and hypsarrhythmia on EEG; X-Linked Infantile Spasm Syndrome. Identifiers: MedGen C3463992, MONDO:0010632, OMIM 308350. Disease mechanism: loss of function.
Autosomal dominant nonsyndromic hearing loss 65. Also called: TBC1D24-Related Autosomal Dominant Nonsyndromic Hearing Loss (DFNA); Deafness, autosomal dominant 65. Identifiers: Orphanet 90635, MedGen C3892048, MONDO:0014470, OMIM 616044.

Allele frequency attached by ClinVar (database versions not stated): gnomAD exomes 0.00001; ExAC 0.00002.
gnomAD v4.1: 6 of 1,603,864 alleles (0.00037%); highest among the groups gnomAD compares: Non-Finnish European, 0.00051%; no homozygotes.

Submissions (4):

Labcorp Genetics (formerly Invitae), Labcorp
Classification: Uncertain significance for Developmental and epileptic encephalopathy, 1; Autosomal dominant nonsyndromic hearing loss 65. Last evaluated: 2025-08-14. Review status: criteria provided, single submitter. Criteria: Invitae Variant Classification Sherloc (09022015). Collection method: clinical testing. Allele origin: germline.
Comment: This sequence change affects codon 510 of the TBC1D24 mRNA. It is a 'silent' change, meaning that it does not change the encoded amino acid sequence of the TBC1D24 protein. The frequency data for this variant in the population databases is considered unreliable, as metrics indicate poor data quality at this position in the gnomAD database. This variant has been observed in individual(s) with autosomal recessive TBC1D24-related conditions (PMID: 27281533). ClinVar contains an entry for this variant (Variation ID: 1301442). Algorithms developed to predict the effect of sequence changes on RNA splicing suggest that this variant is not likely to affect RNA splicing. In summary, the available evidence is currently insufficient to determine the role of this variant in disease. Therefore, it has been classified as a Variant of Uncertain Significance.

Blueprint Genetics
Classification: Likely benign. Last evaluated: 2022-06-02. Review status: criteria provided, single submitter. Criteria: ACMG Guidelines, 2015. Collection method: clinical testing. Allele origin: germline.

GeneDx
Classification: Uncertain significance. Last evaluated: 2021-10-07. Review status: criteria provided, single submitter. Criteria: GeneDx Variant Classification Process June 2021. Collection method: clinical testing. Allele origin: germline. Affected: yes.
Comment: Reported with a second variant (phase unknown) in a patient with drug-resistant infantile myoclonic epilepsy and bilateral hearing loss in published literature (Balestrini et al., 2016); Not observed at significant frequency in large population cohorts (Lek et al., 2016); In silico analysis supports that this variant does not alter splicing; Nucleotide substitution has no predicted effect on splicing and is not conserved across species; This variant is associated with the following publications: (PMID: 27281533)

Ambry Genetics
Classification: Likely benign for Inborn genetic diseases. Last evaluated: 2017-08-04. Review status: criteria provided, single submitter. Criteria: Ambry Variant Classification Scheme 2023. Collection method: clinical testing. Allele origin: germline.

Literature cited by the submitters: PubMed 27281533 (cited by Labcorp Genetics (formerly Invitae), Labcorp).

NM_001199107.2(TBC1D24):c.1530A>G (p.Gly510=)

Gene: TBC1D24 (TBC1 domain family member 24; plus strand). Cytogenetic location: 16p13.3.
Variant type: single nucleotide variant.
Coding change: c.1530A>G on transcript NM_001199107.2 (MANE Select); coding-DNA position 1530, A replaced by G.
Protein change: p.Gly510=; no amino-acid change (glycine 510 retained).
Molecular consequence: synonymous variant.
Genome position (GRCh38, 1-based): chr16:2,500,808, A>G. VCF-style: chr16-2500808-A-G. GRCh37 (hg19) VCF-style: chr16-2550809-A-G.
Other names: c.1512A>G, p.Gly504= (NM_020705.3).
Identifiers: ClinVar variation 1301442 (VCV001301442.9), dbSNP rs749232409, ClinGen allele CA7844337.